The following is an entry in ClinVar:

ClinVar aggregate classification (germline): Uncertain significance. Review status: criteria provided, multiple submitters, no conflicts (2 of 4 stars). 2 submissions from 2 submitters: Uncertain significance (2). Last evaluated 2021-09-30.

Conditions:
Inborn genetic diseases. Identifiers: MedGen C0950123, MeSH D030342.
Infantile-onset ascending hereditary spastic paralysis (IAHSP). Also called: Infantile-Onset Ascending Hereditary Spastic Paralysis (IAHSP); Autosomal Recessive Juvenile Amyotrophic Lateral Sclerosis. Identifiers: Orphanet 293168, MedGen C2931441, MONDO:0011797, OMIM 607225. Disease mechanism: loss of function.

Allele frequency attached by ClinVar (database versions not stated): ESP Exome Variant Server 0.00008; gnomAD 0.00014 and 0.00016.
gnomAD v4.1: 47 of 1,613,500 alleles (0.0029%); highest among the groups gnomAD compares: African/African-American, 0.052%; no homozygotes.

Submissions (2):

Labcorp Genetics (formerly Invitae), Labcorp
Classification: Uncertain significance for Infantile-onset ascending hereditary spastic paralysis. Last evaluated: 2021-09-30. Review status: criteria provided, single submitter. Criteria: Invitae Variant Classification Sherloc (09022015). Collection method: clinical testing. Allele origin: germline.
Comment: This sequence change replaces threonine with asparagine at codon 1219 of the ALS2 protein (p.Thr1219Asn). The threonine residue is highly conserved and there is a small physicochemical difference between threonine and asparagine. This variant is present in population databases (rs372936145, ExAC 0.04%). This variant has not been reported in the literature in individuals affected with ALS2-related conditions. Algorithms developed to predict the effect of missense changes on protein structure and function are either unavailable or do not agree on the potential impact of this missense change (SIFT: "Tolerated"; PolyPhen-2: "Probably Damaging"; Align-GVGD: "Class C0"). In summary, the available evidence is currently insufficient to determine the role of this variant in disease. Therefore, it has been classified as a Variant of Uncertain Significance.

Ambry Genetics
Classification: Uncertain significance for Inborn genetic diseases. Last evaluated: 2021-07-26. Review status: criteria provided, single submitter. Criteria: Ambry Variant Classification Scheme 2023. Collection method: clinical testing. Allele origin: germline.

NM_020919.4(ALS2):c.3656C>A (p.Thr1219Asn)

Gene: ALS2 (alsin Rho guanine nucleotide exchange factor ALS2; minus strand). Cytogenetic location: 2q33.1.
Variant type: single nucleotide variant.
Coding change: c.3656C>A on transcript NM_020919.4 (MANE Select); coding-DNA position 3656, C replaced by A.
Protein change: p.Thr1219Asn; replaces threonine 1219 with asparagine.
Molecular consequence: missense variant.
Genome position (GRCh38, 1-based): chr2:201,723,089, G>T on the plus strand (C>A on the coding strand, the complement: ALS2 is on the minus strand). VCF-style: chr2-201723089-G-T. GRCh37 (hg19) VCF-style: chr2-202587812-G-T.
Other names: c.3656C>A (NM_020919.3); short protein forms T1219N.
Identifiers: ClinVar variation 1469047 (VCV001469047.6), dbSNP rs372936145, ClinGen allele CA2057803.